The following is an entry in ClinVar:

ClinVar aggregate classification (germline): Uncertain significance (1 of 4 stars; one submission).

Conditions:
Familial thoracic aortic aneurysm and aortic dissection (TAAD). Also called: Thoracic aortic aneurysms and dissections. Identifiers: Orphanet 91387, MedGen C4707243, MONDO:0019625.
Hereditary cancer-predisposing syndrome. Also called: Neoplastic Syndromes, Hereditary; Tumor predisposition; Hereditary neoplastic syndrome; Hereditary Cancer Syndrome. Identifiers: Orphanet 140162, MedGen C0027672, MeSH D009386, MONDO:0015356.

Submission:

Ambry Genetics
Classification: Uncertain significance for Hereditary cancer-predisposing syndrome; Familial thoracic aortic aneurysm and aortic dissection. Last evaluated: 2026-07-06. Review status: criteria provided, single submitter. Criteria: Ambry Variant Classification Scheme 2023. Collection method: clinical testing. Allele origin: germline.
Comment: The p.Y131F variant (also known as c.392A>T), located in coding exon 2 of the SMAD4 gene, results from an A to T substitution at nucleotide position 392. The tyrosine at codon 131 is replaced by phenylalanine, an amino acid with highly similar properties. This amino acid position is conserved. In addition, the in silico prediction for this alteration is inconclusive. Based on the available evidence, the clinical significance of this variant remains unclear.

NM_005359.6(SMAD4):c.392A>T (p.Tyr131Phe)

Gene: SMAD4 (SMAD family member 4; plus strand). Cytogenetic location: 18q21.2.
Variant type: single nucleotide variant.
Coding change: c.392A>T on transcript NM_005359.6 (MANE Select); coding-DNA position 392, A replaced by T.
Protein change: p.Tyr131Phe; replaces tyrosine 131 with phenylalanine.
Molecular consequence: missense variant. On other transcripts: non-coding transcript variant (2).
Genome position (GRCh38, 1-based): chr18:51,048,828, A>T. VCF-style: chr18-51048828-A-T. GRCh37 (hg19) VCF-style: chr18-48575198-A-T.
Other names: c.392A>T, p.Tyr131Phe (NM_001407041.1, NM_001407042.1, NM_001407043.1); short protein forms Y131F.
Identifiers: ClinVar variation 5029710 (VCV005029710.1).